The following is an entry in ClinVar:

NM_000130.5(F5):c.5060A>G (p.Glu1687Gly)

Gene: F5 (coagulation factor V; minus strand). Cytogenetic location: 1q24.2.
Variant type: single nucleotide variant.
Coding change: c.5060A>G on transcript NM_000130.5 (MANE Select); coding-DNA position 5060, A replaced by G.
Protein change: p.Glu1687Gly; replaces glutamic acid 1687 with glycine.
Molecular consequence: missense variant.
Genome position (GRCh38, 1-based): chr1:169,530,934, T>C on the plus strand (A>G on the coding strand, the complement: F5 is on the minus strand). VCF-style: chr1-169530934-T-C. GRCh37 (hg19) VCF-style: chr1-169500172-T-C.
Other names: short protein forms E1687G.
Identifiers: ClinVar variation 1723075 (VCV001723075.3), dbSNP rs750482599, ClinGen allele CA1233577.

ClinVar aggregate classification (germline): Uncertain significance (1 of 4 stars; one submission).

Allele frequency attached by ClinVar (database versions not stated): ExAC 0.00001; gnomAD 0.00001; gnomAD exomes 0.00001; TOPMed 0.00002.
gnomAD v4.1: 19 of 1,613,808 alleles (0.0012%); highest among the groups gnomAD compares: Middle Eastern, 0.033%; no homozygotes.

Submission:

GeneDx
Classification: Uncertain significance. Last evaluated: 2024-12-09. Review status: criteria provided, single submitter. Criteria: GeneDx Variant Classification Process June 2021. Collection method: clinical testing. Allele origin: germline. Affected: yes.
Comment: Not observed at significant frequency in large population cohorts (gnomAD); In silico analysis supports that this missense variant has a deleterious effect on protein structure/function; Has not been previously published as pathogenic or benign to our knowledge